The following is an entry in ClinVar:

NM_000414.4(HSD17B4):c.421C>T (p.Gln141Ter)

Gene: HSD17B4 (hydroxysteroid 17-beta dehydrogenase 4; plus strand). Cytogenetic location: 5q23.1.
Variant type: single nucleotide variant.
Coding change: c.421C>T on transcript NM_000414.4 (MANE Select); coding-DNA position 421, C replaced by T.
Protein change: p.Gln141Ter; replaces glutamine 141 with a stop codon.
Molecular consequence: nonsense. On other transcripts: 5 prime UTR variant (1), non-coding transcript variant (2).
Genome position (GRCh38, 1-based): chr5:119,477,488, C>T. VCF-style: chr5-119477488-C-T. GRCh37 (hg19) VCF-style: chr5-118813183-C-T.
Other names: c.496C>T, p.Gln166Ter (NM_001199291.3); c.367C>T, p.Gln123Ter (NM_001199292.2); c.349C>T, p.Gln117Ter (NM_001292027.2); c.10C>T, p.Gln4Ter (NM_001292028.2, NM_001374501.1, NM_001374502.1 and 1 more transcripts); c.421C>T, p.Gln141Ter (NM_001374497.1, NM_001374498.1); c.94C>T, p.Gln32Ter (NM_001374499.1); c.-118C>T (NM_001374500.1); short protein forms Q117*, Q123*, Q141*, Q166*, Q32*, Q4*.
Identifiers: ClinVar variation 1075802 (VCV001075802.10), dbSNP rs2126696915, ClinGen allele CA360865322.
Genomic context (GRCh38, chr5:119,477,488, plus strand): 5'-AGAGTTCATTTGCGGGGTTCATTCCAAGTGACACGGGCAGCATGGGAACACATGAAGAAA[C>T]AGAAGTATGGAAGGTAGAGTTGCATGTGGTTGTCAAGGGGGATTTAAGATGTTGTGTCTG-3'

ClinVar aggregate classification (germline): Pathogenic. Review status: criteria provided, multiple submitters, no conflicts (2 of 4 stars). 2 submissions from 2 submitters: Pathogenic (2). Last evaluated 2022-10-31.

Conditions:
Bifunctional peroxisomal enzyme deficiency (DBIF). Also called: DBP DEFICIENCY; D-bifunctional protein deficiency; PBFE DEFICIENCY. Identifiers: Orphanet 300, MedGen C0342870, MONDO:0009855, OMIM 261515. Disease mechanism: loss of function.
Perrault syndrome. Also called: Gonadal dysgenesis with auditory dysfunction, autosomal recessive inheritance. Identifiers: Orphanet 2855, MedGen C0685838, MONDO:0017312.
Perrault syndrome 1 (PRLTS1). Also called: GONADAL DYSGENESIS, XX TYPE, WITH DEAFNESS; OVARIAN DYSGENESIS WITH SENSORINEURAL DEAFNESS. Identifiers: Orphanet 2855, Orphanet 642945, MedGen C4551721, MONDO:0009300, OMIM 233400.

Allele frequency attached by ClinVar (database versions not stated): gnomAD exomes below 0.00001.

Submissions (2):

Labcorp Genetics (formerly Invitae), Labcorp
Classification: Pathogenic for Perrault syndrome; Bifunctional peroxisomal enzyme deficiency. Last evaluated: 2022-10-31. Review status: criteria provided, single submitter. Criteria: Invitae Variant Classification Sherloc (09022015). Collection method: clinical testing. Allele origin: germline.
Comment: This sequence change creates a premature translational stop signal (p.Gln141*) in the HSD17B4 gene. It is expected to result in an absent or disrupted protein product. Loss-of-function variants in HSD17B4 are known to be pathogenic (PMID: 11810648, 16385454, 20673864). For these reasons, this variant has been classified as Pathogenic. ClinVar contains an entry for this variant (Variation ID: 1075802). This variant has not been reported in the literature in individuals affected with HSD17B4-related conditions. This variant is not present in population databases (gnomAD no frequency).

Mendelics
Classification: Pathogenic for Perrault syndrome 1. Last evaluated: 2022-05-04. Review status: criteria provided, single submitter. Criteria: Mendelics Assertion Criteria 2019. Collection method: clinical testing. Allele origin: germline.

Literature cited by the submitters: PubMed 11810648 (cited by Labcorp Genetics (formerly Invitae), Labcorp); PubMed 16385454 (cited by Labcorp Genetics (formerly Invitae), Labcorp); PubMed 20673864 (cited by Labcorp Genetics (formerly Invitae), Labcorp).